The following is an entry in ClinVar:

NM_004082.5(DCTN1):c.1701+9A>G

Gene: DCTN1 (dynactin subunit 1; minus strand). Cytogenetic location: 2p13.1.
Variant type: single nucleotide variant.
Coding change: c.1701+9A>G on transcript NM_004082.5 (MANE Select); 9 bases into the intron after coding-DNA position 1701, A replaced by G.
Molecular consequence: intron variant.
Genome position (GRCh38, 1-based): chr2:74,369,089, T>C on the plus strand (A>G on the coding strand, the complement: DCTN1 is on the minus strand). VCF-style: chr2-74369089-T-C. GRCh37 (hg19) VCF-style: chr2-74596216-T-C.
Other names: c.1590+9A>G (NM_001190836.2); c.1632+9A>G (NM_001378992.1); c.1650+9A>G (NM_001378991.1); c.1641+9A>G (NM_001135040.3); c.1680+9A>G (NM_001190837.2); c.1299+9A>G (NM_001135041.3, NM_023019.4).
Identifiers: ClinVar variation 3756104 (VCV003756104.2).

ClinVar aggregate classification (germline): Uncertain significance (1 of 4 stars; one submission).

Conditions:
Amyotrophic lateral sclerosis type 1 (ALS1). Also called: AMYOTROPHIC LATERAL SCLEROSIS 1, FAMILIAL. Identifiers: Orphanet 803, MedGen C1862939, MONDO:0007103, OMIM 105400.
Neuronopathy, distal hereditary motor, type 7B. Also called: HMN VIIB; LOWER MOTOR NEURON DISEASE, DYNACTIN TYPE; NEURONOPATHY, DISTAL HEREDITARY MOTOR, AUTOSOMAL DOMINANT 14; NEURONOPATHY, DISTAL HEREDITARY MOTOR, HARDING TYPE VIIB; NEUROPATHY, DISTAL HEREDITARY MOTOR, HARDING TYPE VIIB; NEUROPATHY, DISTAL HEREDITARY MOTOR, WITH VOCAL CORD PARALYSIS, HARDING TYPE VIIB. Identifiers: Orphanet 139589, MedGen C1843315, MONDO:0011879, OMIM 607641.
Perry syndrome. Also called: PARKINSONISM WITH ALVEOLAR HYPOVENTILATION AND MENTAL DEPRESSION. Identifiers: Orphanet 178509, MedGen C1868594, MONDO:0008201, OMIM 168605.

Submission:

Labcorp Genetics (formerly Invitae), Labcorp
Classification: Uncertain significance for Amyotrophic lateral sclerosis type 1; Neuronopathy, distal hereditary motor, type 7B; Perry syndrome. Last evaluated: 2024-04-29. Review status: criteria provided, single submitter. Criteria: Invitae Variant Classification Sherloc (09022015). Collection method: clinical testing. Allele origin: germline.
Comment: This sequence change falls in intron 15 of the DCTN1 gene. It does not directly change the encoded amino acid sequence of the DCTN1 protein. This variant is not present in population databases (gnomAD no frequency). This variant has not been reported in the literature in individuals affected with DCTN1-related conditions. Algorithms developed to predict the effect of sequence changes on RNA splicing suggest that this variant may create or strengthen a splice site. In summary, the available evidence is currently insufficient to determine the role of this variant in disease. Therefore, it has been classified as a Variant of Uncertain Significance.